The following is an entry in ClinVar:

NM_001295.3(CCR1):c.476C>T (p.Ala159Val)

Gene: CCR1 (C-C motif chemokine receptor 1; minus strand). Cytogenetic location: 3p21.31.
Variant type: single nucleotide variant.
Coding change: c.476C>T on transcript NM_001295.3 (MANE Select); coding-DNA position 476, C replaced by T.
Protein change: p.Ala159Val; replaces alanine 159 with valine.
Molecular consequence: missense variant.
Genome position (GRCh38, 1-based): chr3:46,203,838, G>A on the plus strand (C>T on the coding strand, the complement: CCR1 is on the minus strand). VCF-style: chr3-46203838-G-A. GRCh37 (hg19) VCF-style: chr3-46245329-G-A.
Other names: short protein forms A159V.
Identifiers: ClinVar variation 713779 (VCV000713779.23), dbSNP rs61752589, ClinGen allele CA2353921.

ClinVar aggregate classification (germline): Likely benign. Review status: criteria provided, multiple submitters, no conflicts (2 of 4 stars). 4 submissions from 4 submitters: Likely benign (4). Last evaluated 2025-08-08.

Allele frequency attached by ClinVar (database versions not stated): gnomAD exomes 0.00105 and 0.00158; ExAC 0.00144; ESP Exome Variant Server 0.00208; gnomAD 0.00233 and 0.00248; TOPMed 0.00345; 1000 Genomes Project 0.00439; 1000 Genomes Project 30x 0.00484.
gnomAD v4.1: 2,012 of 1,614,182 alleles (0.12%); highest among the groups gnomAD compares: Middle Eastern, 0.49%; 7 homozygotes.

Submissions (4):

Ambry Genetics
Classification: Likely benign. Last evaluated: 2025-08-08. Review status: criteria provided, single submitter. Criteria: Ambry Variant Classification Scheme 2023. Collection method: clinical testing. Allele origin: germline.

CeGaT Center for Human Genetics Tuebingen
Classification: Likely benign. Last evaluated: 2024-06-01. Review status: criteria provided, single submitter. Criteria: CeGaT Center For Human Genetics Tuebingen Variant Classification Criteria Version 2. Collection method: clinical testing. Allele origin: germline. Affected: yes. Observed: 1 variant allele.
Comment: CCR1: BP4

Labcorp Genetics (formerly Invitae), Labcorp
Classification: Likely benign. Last evaluated: 2018-06-29. Review status: criteria provided, single submitter. Criteria: Invitae Variant Classification Sherloc (09022015). Collection method: clinical testing. Allele origin: germline.

Breakthrough Genomics
Classification: Likely benign. Review status: criteria provided, single submitter. Criteria: ACMG Guidelines, 2015. Collection method: not provided. Allele origin: germline. Inheritance: Unknown mechanism. Affected: yes.